The following is an entry in ClinVar:

NM_000326.5(RLBP1):c.202G>T (p.Glu68Ter)

Gene: RLBP1 (retinaldehyde binding protein 1; minus strand). Cytogenetic location: 15q26.1.
Variant type: single nucleotide variant.
Coding change: c.202G>T on transcript NM_000326.5 (MANE Select); coding-DNA position 202, G replaced by T.
Protein change: p.Glu68Ter; replaces glutamic acid 68 with a stop codon.
Molecular consequence: nonsense.
Genome position (GRCh38, 1-based): chr15:89,217,264, C>A on the plus strand (G>T on the coding strand, the complement: RLBP1 is on the minus strand). VCF-style: chr15-89217264-C-A. GRCh37 (hg19) VCF-style: chr15-89760495-C-A.
Other names: short protein forms E68*.
Identifiers: ClinVar variation 1457901 (VCV001457901.6), dbSNP rs1596184582, ClinGen allele CA393731000.

ClinVar aggregate classification (germline): Pathogenic (1 of 4 stars; one submission).

Submission:

Labcorp Genetics (formerly Invitae), Labcorp
Classification: Pathogenic. Last evaluated: 2022-07-06. Review status: criteria provided, single submitter. Criteria: Invitae Variant Classification Sherloc (09022015). Collection method: clinical testing. Allele origin: germline.
Comment: For these reasons, this variant has been classified as Pathogenic. ClinVar contains an entry for this variant (Variation ID: 1457901). This variant has not been reported in the literature in individuals affected with RLBP1-related conditions. This variant is not present in population databases (gnomAD no frequency). This sequence change creates a premature translational stop signal (p.Glu68*) in the RLBP1 gene. It is expected to result in an absent or disrupted protein product. Loss-of-function variants in RLBP1 are known to be pathogenic (PMID: 2392416, 11301032, 21447491, 25429852).

Literature cited by the submitters: PubMed 2392416; PubMed 11301032; PubMed 21447491; PubMed 25429852.